The following is an entry in ClinVar:

ClinVar aggregate classification (germline): Uncertain significance (1 of 4 stars; one submission).

gnomAD v4.1: 69 of 1,548,596 alleles (0.0045%); highest among the groups gnomAD compares: East Asian, 0.02%; no homozygotes.

Submission:

Mayo Clinic Laboratories, Mayo Clinic
Classification: Uncertain significance. Last evaluated: 2024-06-26. Review status: criteria provided, single submitter. Criteria: ACMG Guidelines, 2015. Collection method: clinical testing. Allele origin: germline. Observed: 1 variant allele.
Comment: PM2_moderate

NM_001142864.4(PIEZO1):c.6887C>T (p.Thr2296Met)

Gene: PIEZO1 (piezo type mechanosensitive ion channel component 1 (Er blood group); minus strand). Cytogenetic location: 16q24.3.
Variant type: single nucleotide variant.
Coding change: c.6887C>T on transcript NM_001142864.4 (MANE Select); coding-DNA position 6887, C replaced by T.
Protein change: p.Thr2296Met; replaces threonine 2296 with methionine.
Molecular consequence: missense variant.
Genome position (GRCh38, 1-based): chr16:88,716,598, G>A on the plus strand (C>T on the coding strand, the complement: PIEZO1 is on the minus strand). VCF-style: chr16-88716598-G-A. GRCh37 (hg19) VCF-style: chr16-88783006-G-A.
Other names: p.Thr2296Met; short protein forms T2296M.
Identifiers: ClinVar variation 3380418 (VCV003380418.1).